The following is an entry in ClinVar:

ClinVar aggregate classification (germline): Uncertain significance (1 of 4 stars; one submission).

Conditions:
Autosomal recessive ataxia, Beauce type. Also called: SYNE1-Related Autosomal Recessive Cerebellar Ataxia; Spinocerebellar ataxia, autosomal recessive 8; ATAXIA, RECESSIVE, OF BEAUCE; SYNE1 Deficiency. Identifiers: Orphanet 88644, MedGen C1853116, MONDO:0012549, OMIM 610743.
Emery-Dreifuss muscular dystrophy 4, autosomal dominant (EDMD4). Also called: EMERY-DREIFUSS MUSCULAR DYSTROPHY 4 WITH VARIABLE FEATURES. Identifiers: Orphanet 261, MedGen C2751807, MONDO:0013071, OMIM 612998.

Allele frequency attached by ClinVar (database versions not stated): ExAC 0.00001.
gnomAD v4.1: 1 of 1,614,124 alleles (0.000062%); highest among the groups gnomAD compares: Admixed American, 0.0017%; no homozygotes.

Submission:

Labcorp Genetics (formerly Invitae), Labcorp
Classification: Uncertain significance for Emery-Dreifuss muscular dystrophy 4, autosomal dominant; Autosomal recessive ataxia, Beauce type. Last evaluated: 2024-06-24. Review status: criteria provided, single submitter. Criteria: Invitae Variant Classification Sherloc (09022015). Collection method: clinical testing. Allele origin: germline.
Comment: This sequence change replaces aspartic acid, which is acidic and polar, with asparagine, which is neutral and polar, at codon 8536 of the SYNE1 protein (p.Asp8536Asn). This variant is present in population databases (rs771414572, gnomAD 0.003%). This variant has not been reported in the literature in individuals affected with SYNE1-related conditions. ClinVar contains an entry for this variant (Variation ID: 2148565). An algorithm developed to predict the effect of missense changes on protein structure and function (PolyPhen-2) suggests that this variant is likely to be disruptive. In summary, the available evidence is currently insufficient to determine the role of this variant in disease. Therefore, it has been classified as a Variant of Uncertain Significance.

NM_182961.4(SYNE1):c.25750G>A (p.Asp8584Asn)

Gene: SYNE1 (spectrin repeat containing nuclear envelope protein 1; minus strand). Cytogenetic location: 6q25.2.
Variant type: single nucleotide variant.
Coding change: c.25750G>A on transcript NM_182961.4 (MANE Select); coding-DNA position 25750, G replaced by A.
Protein change: p.Asp8584Asn; replaces aspartic acid 8584 with asparagine.
Molecular consequence: missense variant.
Genome position (GRCh38, 1-based): chr6:152,135,142, C>T on the plus strand (G>A on the coding strand, the complement: SYNE1 is on the minus strand). VCF-style: chr6-152135142-C-T. GRCh37 (hg19) VCF-style: chr6-152456277-C-T.
Other names: c.2356G>A, p.Asp786Asn (NM_001347701.2); c.2284G>A, p.Asp762Asn (NM_001347702.2); c.25606G>A, p.Asp8536Asn (NM_033071.5); short protein forms D8536N, D762N, D786N, D8584N.
Identifiers: ClinVar variation 2148565 (VCV002148565.3), dbSNP rs771414572, ClinGen allele CA4052750.